The following is an entry in ClinVar:

ClinVar aggregate classification (germline): Likely benign (1 of 4 stars; one submission).

Submission:

CeGaT Center for Human Genetics Tuebingen
Classification: Likely benign. Last evaluated: 2024-11-01. Review status: criteria provided, single submitter. Criteria: CeGaT Center For Human Genetics Tuebingen Variant Classification Criteria Version 2. Collection method: clinical testing. Allele origin: germline. Affected: yes. Observed: 2 variant alleles.
Comment: CEL: BP4, BP7

NM_001807.6(CEL):c.1830C>T (p.Ser610=)

Gene: CEL (carboxyl ester lipase; plus strand). Cytogenetic location: 9q34.13.
Variant type: single nucleotide variant.
Coding change: c.1830C>T on transcript NM_001807.6 (MANE Select); coding-DNA position 1830, C replaced by T.
Protein change: p.Ser610=; no amino-acid change (serine 610 retained).
Molecular consequence: synonymous variant.
Genome position (GRCh38, 1-based): chr9:133,071,332, C>T. VCF-style: chr9-133071332-C-T. GRCh37 (hg19) VCF-style: chr9-135946719-C-T.
Identifiers: ClinVar variation 3067370 (VCV003067370.21), dbSNP rs1564213873, ClinGen allele CA467814564.